The following is an entry in ClinVar:

ClinVar aggregate classification (germline): Uncertain significance (1 of 4 stars; one submission).

gnomAD v4.1: 2 of 1,612,872 alleles (0.00012%); highest among the groups gnomAD compares: Non-Finnish European, 0.000085%; no homozygotes.

Submission:

GeneDx
Classification: Uncertain significance. Last evaluated: 2022-02-04. Review status: criteria provided, single submitter. Criteria: GeneDx Variant Classification Process June 2021. Collection method: clinical testing. Allele origin: germline. Affected: yes.
Comment: Not observed at significant frequency in large population cohorts (gnomAD); In silico analysis supports that this missense variant has a deleterious effect on protein structure/function; Has not been previously published as pathogenic or benign to our knowledge

NM_000158.4(GBE1):c.959A>T (p.Asp320Val)

Gene: GBE1 (1,4-alpha-glucan branching enzyme 1; minus strand). Cytogenetic location: 3p12.2.
Variant type: single nucleotide variant.
Coding change: c.959A>T on transcript NM_000158.4 (MANE Select); coding-DNA position 959, A replaced by T.
Protein change: p.Asp320Val; replaces aspartic acid 320 with valine.
Molecular consequence: missense variant.
Genome position (GRCh38, 1-based): chr3:81,642,814, T>A on the plus strand (A>T on the coding strand, the complement: GBE1 is on the minus strand). VCF-style: chr3-81642814-T-A. GRCh37 (hg19) VCF-style: chr3-81691965-T-A.
Other names: short protein forms D320V.
Identifiers: ClinVar variation 1700353 (VCV001700353.2), dbSNP rs761603906, ClinGen allele CA353687202.